The following is an entry in ClinVar:

NM_021729.6(VPS11):c.2144A>G (p.Gln715Arg)

Gene: VPS11 (VPS11 core subunit of CORVET and HOPS complexes; plus strand). Cytogenetic location: 11q23.3.
Variant type: single nucleotide variant.
Coding change: c.2144A>G on transcript NM_021729.6 (MANE Select); coding-DNA position 2144, A replaced by G.
Protein change: p.Gln715Arg; replaces glutamine 715 with arginine.
Molecular consequence: missense variant. On other transcripts: non-coding transcript variant (8).
Genome position (GRCh38, 1-based): chr11:119,078,875, A>G. VCF-style: chr11-119078875-A-G. GRCh37 (hg19) VCF-style: chr11-118949585-A-G.
Other names: c.2114A>G, p.Gln705Arg (NM_001290185.2); c.2156A>G, p.Gln719Arg (NM_001378218.1, NM_001378219.1); c.2129A>G, p.Gln710Arg (NM_001378220.1); c.2126A>G, p.Gln709Arg (NM_001378221.1); short protein forms Q710R, Q715R, Q705R, Q709R, Q719R.
Identifiers: ClinVar variation 2185096 (VCV002185096.1), dbSNP rs782168344, ClinGen allele CA6313643.

ClinVar aggregate classification (germline): Uncertain significance (1 of 4 stars; one submission).

Allele frequency attached by ClinVar (database versions not stated): ExAC 0.00001; gnomAD exomes 0.00001; TOPMed 0.00001.
gnomAD v4.1: 12 of 1,614,018 alleles (0.00074%); highest among the groups gnomAD compares: Non-Finnish European, 0.001%; no homozygotes.

Submission:

Labcorp Genetics (formerly Invitae), Labcorp
Classification: Uncertain significance. Last evaluated: 2022-05-12. Review status: criteria provided, single submitter. Criteria: Invitae Variant Classification Sherloc (09022015). Collection method: clinical testing. Allele origin: germline.
Comment: This sequence change replaces glutamine, which is neutral and polar, with arginine, which is basic and polar, at codon 715 of the VPS11 protein (p.Gln715Arg). This variant is present in population databases (rs782168344, gnomAD 0.0009%). This variant has not been reported in the literature in individuals affected with VPS11-related conditions. Experimental studies and prediction algorithms are not available or were not evaluated, and the functional significance of this variant is currently unknown. In summary, the available evidence is currently insufficient to determine the role of this variant in disease. Therefore, it has been classified as a Variant of Uncertain Significance.